The following is an entry in ClinVar:

NC_000003.11:g.(?_10443755)_(10444052_?)del

Gene: ATP2B2 (ATPase plasma membrane Ca2+ transporting 2; minus strand). Cytogenetic location: 3p25.3.
Variant type: Deletion.
Identifiers: ClinVar variation 3246976 (VCV003246976.1).

ClinVar aggregate classification (germline): Uncertain significance (1 of 4 stars; one submission).

Submission:

Labcorp Genetics (formerly Invitae), Labcorp
Classification: Uncertain significance. Last evaluated: 2023-02-22. Review status: criteria provided, single submitter. Criteria: Invitae Variant Classification Sherloc (09022015). Collection method: clinical testing. Allele origin: unknown.
Comment: This variant is a gross deletion of the genomic region encompassing exon(s) 4 of the ATP2B2 gene. This variant would be expected to be in-frame, preserving the integrity of the reading frame. This variant has not been reported in the literature in individuals affected with ATP2B2-related conditions. Experimental studies and prediction algorithms are not available or were not evaluated, and the functional significance of this variant is currently unknown. In summary, the available evidence is currently insufficient to determine the role of this variant in disease. Therefore, it has been classified as a Variant of Uncertain Significance.